The following is an entry in ClinVar:

NM_001365951.3(KIF1B):c.*1361A>T

Gene: KIF1B (kinesin family member 1B; plus strand). Cytogenetic location: 1p36.22.
Variant type: single nucleotide variant.
Coding change: c.*1361A>T on transcript NM_001365951.3 (MANE Select); 1361 bases downstream of the stop codon, A replaced by T.
Molecular consequence: 3 prime UTR variant.
Genome position (GRCh38, 1-based): chr1:10,377,948, A>T. VCF-style: chr1-10377948-A-T. GRCh37 (hg19) VCF-style: chr1-10438006-A-T.
Other names: c.*1361A>T (NM_001365952.1, NM_015074.3).
Identifiers: ClinVar variation 291610 (VCV000291610.6), dbSNP rs2847347, ClinGen allele CA10607286.

ClinVar aggregate classification (germline): Benign. Review status: criteria provided, multiple submitters, no conflicts (2 of 4 stars). 2 submissions from 2 submitters: Benign (2). Last evaluated 2018-01-13.

Conditions:
Neuroblastoma (NB). Identifiers: Orphanet 635, MedGen C0027819, MeSH D009447, MONDO:0005072, HP:0003006.

Allele frequency attached by ClinVar (database versions not stated): gnomAD exomes 0.03871; 1000 Genomes Project 0.01817; gnomAD 0.03757 and 0.03872; TOPMed 0.03790; 1000 Genomes Project 30x 0.01921.
gnomAD v4.1: 8,547 of 223,108 alleles (3.8%); highest among the groups gnomAD compares: Non-Finnish European, 5.7%; 243 homozygotes.

Submissions (2):

Illumina Laboratory Services, Illumina
Classification: Benign for Neuroblastoma. Last evaluated: 2018-01-13. Review status: criteria provided, single submitter. Criteria: ICSL Variant Classification Criteria 13 December 2019. Collection method: clinical testing. Allele origin: germline.
Comment: This variant was observed in the ICSL laboratory as part of a predisposition screen in an ostensibly healthy population. It had not been previously curated by ICSL or reported in the Human Gene Mutation Database (HGMD: prior to June 1st, 2018), and was therefore a candidate for classification through an automated scoring system. Utilizing variant allele frequency, disease prevalence and penetrance estimates, and inheritance mode, an automated score was calculated to assess if this variant is too frequent to cause the disease. Based on the score and internal cut-off values, a variant classified as benign is not then subjected to further curation. The score for this variant resulted in a classification of benign for this disease.

Breakthrough Genomics
Classification: Benign. Review status: criteria provided, single submitter. Criteria: ACMG Guidelines, 2015. Collection method: not provided. Allele origin: germline. Inheritance: Autosomal dominant inheritance. Affected: yes.